The following is an entry in ClinVar:

NM_014319.5(LEMD3):c.1663C>A (p.Leu555Ile)

Gene: LEMD3 (LEM domain containing 3; plus strand). Cytogenetic location: 12q14.3.
Variant type: single nucleotide variant.
Coding change: c.1663C>A on transcript NM_014319.5 (MANE Select); coding-DNA position 1663, C replaced by A.
Protein change: p.Leu555Ile; replaces leucine 555 with isoleucine.
Molecular consequence: missense variant.
Genome position (GRCh38, 1-based): chr12:65,218,587, C>A. VCF-style: chr12-65218587-C-A. GRCh37 (hg19) VCF-style: chr12-65612367-C-A.
Other names: c.1660C>A, p.Leu554Ile (NM_001167614.2); short protein forms L554I, L555I.
Identifiers: ClinVar variation 1982244 (VCV001982244.6), dbSNP rs765794322, ClinGen allele CA6670993.

ClinVar aggregate classification (germline): Uncertain significance. Review status: criteria provided, multiple submitters, no conflicts (2 of 4 stars). 2 submissions from 2 submitters: Uncertain significance (2). Last evaluated 2025-10-06.

Conditions:
Inborn genetic diseases. Identifiers: MedGen C0950123, MeSH D030342.

Allele frequency attached by ClinVar (database versions not stated): ExAC 0.00001; TOPMed 0.00001; gnomAD 0.00002.
gnomAD v4.1: 4 of 1,606,560 alleles (0.00025%); highest among the groups gnomAD compares: African/African-American, 0.0054%; no homozygotes.

Submissions (2):

Ambry Genetics
Classification: Uncertain significance for Inborn genetic diseases. Last evaluated: 2025-10-06. Review status: criteria provided, single submitter. Criteria: Ambry Variant Classification Scheme 2023. Collection method: clinical testing. Allele origin: germline.

Labcorp Genetics (formerly Invitae), Labcorp
Classification: Uncertain significance. Last evaluated: 2022-09-24. Review status: criteria provided, single submitter. Criteria: Invitae Variant Classification Sherloc (09022015). Collection method: clinical testing. Allele origin: germline.
Comment: In summary, the available evidence is currently insufficient to determine the role of this variant in disease. Therefore, it has been classified as a Variant of Uncertain Significance. Advanced modeling of protein sequence and biophysical properties (such as structural, functional, and spatial information, amino acid conservation, physicochemical variation, residue mobility, and thermodynamic stability) performed at Invitae indicates that this missense variant is not expected to disrupt LEMD3 protein function. This variant has not been reported in the literature in individuals affected with LEMD3-related conditions. This variant is present in population databases (rs765794322, gnomAD 0.008%). This sequence change replaces leucine, which is neutral and non-polar, with isoleucine, which is neutral and non-polar, at codon 555 of the LEMD3 protein (p.Leu555Ile).